The following is an entry in ClinVar:

ClinVar aggregate classification (germline): Benign/Likely benign. Review status: criteria provided, multiple submitters, no conflicts (2 of 4 stars). 10 submissions from 10 submitters: Benign (5); Likely benign (2). 3 of the submissions do not count toward it. Last evaluated 2026-01-27.

Conditions:
SLC26A4-related disorder. Also called: SLC26A4-related condition; SLC26A4-related disorders.
Pendred syndrome (PDS). Also called: Pendred's syndrome; DEAFNESS WITH GOITER; GOITER-DEAFNESS SYNDROME; HYPOTHYROIDISM, CONGENITAL, DUE TO DYSHORMONOGENESIS, 2B; THYROID DYSHORMONOGENESIS 2B; THYROID HORMONOGENESIS, GENETIC DEFECT IN, 2B. Identifiers: Orphanet 705, MedGen C0271829, MONDO:0010134, OMIM 274600.

Allele frequency attached by ClinVar (database versions not stated): gnomAD exomes 0.00068; ExAC 0.00078; 1000 Genomes Project 0.00200; 1000 Genomes Project 30x 0.00219; gnomAD 0.00250 and 0.00268; ESP Exome Variant Server 0.00284; TOPMed 0.00316.
gnomAD v4.1: 840 of 1,611,228 alleles (0.052%); highest among the groups gnomAD compares: African/African-American, 0.99%; 6 homozygotes.

Submissions (10):

Labcorp Genetics (formerly Invitae), Labcorp
Classification: Benign. Last evaluated: 2026-01-27. Review status: criteria provided, single submitter. Criteria: Invitae Variant Classification Sherloc (09022015). Collection method: clinical testing. Allele origin: germline.

Blueprint Genetics
Classification: Likely benign. Last evaluated: 2024-11-06. Review status: criteria provided, single submitter. Criteria: ACMG Guidelines, 2015. Collection method: clinical testing. Allele origin: germline.

CeGaT Center for Human Genetics Tuebingen
Classification: Benign. Last evaluated: 2022-07-01. Review status: criteria provided, single submitter. Criteria: CeGaT Center For Human Genetics Tuebingen Variant Classification Criteria Version 2. Collection method: clinical testing. Allele origin: germline. Affected: yes. Observed: 1 variant allele.
Comment: SLC26A4: BS1, BS2

Women's Health and Genetics/Laboratory Corporation of America, LabCorp
Classification: Benign. Last evaluated: 2022-03-13. Review status: criteria provided, single submitter. Criteria: LabCorp Variant Classification Summary - May 2015. Collection method: clinical testing. Allele origin: germline.
Comment: Variant summary: SLC26A4 c.2139T>G (p.Ile713Met) results in a conservative amino acid change in the encoded protein sequence. Three of five in-silico tools predict a damaging effect of the variant on protein function. The variant allele was found at a frequency of 0.00068 in 251288 control chromosomes, predominantly at a frequency of 0.0095 within the African or African-American subpopulation in the gnomAD database, including 2 homozygotes. The observed variant frequency within African or African-American control individuals in the gnomAD database is approximately 2.7 fold of the estimated maximal expected allele frequency for a pathogenic variant in SLC26A4 causing Pendred Syndrome phenotype (0.0035), strongly suggesting that the variant is a benign polymorphism found primarily in populations of African or African-American origin. Although reported in the literature as a benign variation supported by the Deafness Variation Database (example, Azaiez_2018), to our knowledge, no occurrence of c.2139T>G in individuals affected with Pendred Syndrome and no experimental evidence demonstrating its impact on protein function have been reported. Five clinical diagnostic laboratories have submitted clinical-significance assessments for this variant to ClinVar after 2014 without evidence for independent evaluation. All laboratories classified the variant as benign/likely benign. Based on the evidence outlined above, the variant was classified as benign.

GeneDx
Classification: Benign. Last evaluated: 2020-08-07. Review status: criteria provided, single submitter. Criteria: GeneDx Variant Classification Process June 2021. Collection method: clinical testing. Allele origin: germline. Affected: yes.
Comment: This variant is associated with the following publications: (PMID: 30245029, 25262649, 19509082)

Eurofins Ntd Llc (ga)
Classification: Likely benign. Last evaluated: 2016-05-31. Review status: criteria provided, single submitter. Criteria: EGL Classification Definitions 2015. Collection method: clinical testing. Allele origin: germline. Observed: 1 variant allele, 1 heterozygote.

Laboratory for Molecular Medicine, Mass General Brigham Personalized Medicine
Classification: Benign. Last evaluated: 2012-05-07. Review status: criteria provided, single submitter. Criteria: LMM Criteria. Collection method: clinical testing. Allele origin: germline. Observed: 7 variant alleles.
Comment: Ile713Met in Exon 19 of SLC26A4: This variant is not expected to have clinical s ignificance because it has been identified in 0.7% (27/3736) of African American chromosomes from a broad population by the NHLBI Exome Sequencing Project (dbSNP rs143708308).

Natera, Inc.
Classification: Benign for Pendred syndrome. Last evaluated: 2020-04-16. Review status: no assertion criteria provided. Collection method: clinical testing. Allele origin: germline. Not counted in ClinVar's aggregate classification.

PreventionGenetics, part of Exact Sciences
Classification: Benign for SLC26A4-related condition. Last evaluated: 2020-01-27. Review status: no assertion criteria provided. Collection method: clinical testing. Allele origin: germline. Not counted in ClinVar's aggregate classification.
Comment: This variant is classified as benign based on ACMG/AMP sequence variant interpretation guidelines (Richards et al. 2015 PMID: 25741868, with internal and published modifications).

Counsyl
Classification: Likely benign for Pendred syndrome. Last evaluated: 2017-12-28. Review status: no assertion criteria provided. Collection method: clinical testing. Allele origin: unknown. Not counted in ClinVar's aggregate classification.

Literature cited by the submitters: PubMed 30245029 (cited by Women's Health and Genetics/Laboratory Corporation of America, LabCorp); PubMed 19509082 (cited by Counsyl); PubMed 25262649 (cited by Counsyl).

NM_000441.2(SLC26A4):c.2139T>G (p.Ile713Met)

Genes: SLC26A4 (solute carrier family 26 member 4; plus strand), LOC123956210 (Sharpr-MPRA regulatory region 3291; plus strand). Cytogenetic location: 7q22.3.
Variant type: single nucleotide variant.
Coding change: c.2139T>G on transcript NM_000441.2 (MANE Select); coding-DNA position 2139, T replaced by G.
Protein change: p.Ile713Met; replaces isoleucine 713 with methionine.
Molecular consequence: missense variant.
Genome position (GRCh38, 1-based): chr7:107,710,103, T>G. VCF-style: chr7-107710103-T-G. GRCh37 (hg19) VCF-style: chr7-107350548-T-G.
Other names: short protein forms I713M.
Identifiers: ClinVar variation 43540 (VCV000043540.49), dbSNP rs143708308, ClinGen allele CA132705.
Genomic context (GRCh38, chr7:107,710,103, plus strand): 5'-TTCTTTTGAAGATTATGTGATAGAAAAGCTGGAGCAATGCGGGTTCTTTGACGACAACAT[T>G]AGAAAGGACACATTCTTTTTGACGGTCCATGATGCTATACTCTATCTACAGAACCAAGTG-3'
Protein context (NP_000432.1, residues 703-723): LEQCGFFDDN[Ile713Met]RKDTFFLTVH